The following is an entry in ClinVar:

ClinVar aggregate classification (germline): Conflicting classifications of pathogenicity. Review status: criteria provided, conflicting classifications (1 of 4 stars). 8 submissions from 7 submitters: Uncertain significance (1); Benign (3); Likely benign (4). Last evaluated 2025-05-30.

Conditions:
Autosomal dominant nonsyndromic hearing loss 12. Also called: DEAFNESS, AUTOSOMAL DOMINANT 8. Identifiers: Orphanet 90635, MedGen C1832187, MONDO:0011102, OMIM 601543.
Autosomal recessive nonsyndromic hearing loss 21. Identifiers: Orphanet 90636, MedGen C1863655, MONDO:0011351, OMIM 603629.

Allele frequency attached by ClinVar (database versions not stated): gnomAD exomes 0.00058; ExAC 0.00078; ESP Exome Variant Server 0.00215; gnomAD 0.00254 and 0.00271; TOPMed 0.00256; 1000 Genomes Project 0.00280; 1000 Genomes Project 30x 0.00328.
gnomAD v4.1: 716 of 1,614,208 alleles (0.044%); highest among the groups gnomAD compares: African/African-American, 0.87%; 4 homozygotes.

Submissions (8):

Labcorp Genetics (formerly Invitae), Labcorp
Classification: Benign. Last evaluated: 2025-05-30. Review status: criteria provided, single submitter. Criteria: Invitae Variant Classification Sherloc (09022015). Collection method: clinical testing. Allele origin: germline.

Blueprint Genetics
Classification: Likely benign. Last evaluated: 2024-06-24. Review status: criteria provided, single submitter. Criteria: ACMG Guidelines, 2015. Collection method: clinical testing. Allele origin: germline.

GeneDx
Classification: Likely benign. Last evaluated: 2020-05-18. Review status: criteria provided, single submitter. Criteria: GeneDx Variant Classification Process June 2021. Collection method: clinical testing. Allele origin: germline. Affected: yes.

Athena Diagnostics
Classification: Likely benign. Last evaluated: 2018-05-24. Review status: criteria provided, single submitter. Criteria: Athena Diagnostics Criteria. Collection method: clinical testing. Allele origin: germline.

Illumina Laboratory Services, Illumina
Classification: Benign for Autosomal dominant nonsyndromic hearing loss 12. Last evaluated: 2018-01-13. Review status: criteria provided, single submitter. Criteria: ICSL Variant Classification Criteria 13 December 2019. Collection method: clinical testing. Allele origin: germline.
Comment: This variant was observed in the ICSL laboratory as part of a predisposition screen in an ostensibly healthy population. It had not been previously curated by ICSL or reported in the Human Gene Mutation Database (HGMD: prior to June 1st, 2018), and was therefore a candidate for classification through an automated scoring system. Utilizing variant allele frequency, disease prevalence and penetrance estimates, and inheritance mode, an automated score was calculated to assess if this variant is too frequent to cause the disease. Based on the score and internal cut-off values, a variant classified as benign is not then subjected to further curation. The score for this variant resulted in a classification of benign for this disease.

Illumina Laboratory Services, Illumina
Classification: Uncertain significance for Autosomal recessive nonsyndromic hearing loss 21. Last evaluated: 2018-01-13. Review status: criteria provided, single submitter. Criteria: ICSL Variant Classification Criteria 13 December 2019. Collection method: clinical testing. Allele origin: germline.

Eurofins Ntd Llc (ga)
Classification: Likely benign. Last evaluated: 2016-08-17. Review status: criteria provided, single submitter. Criteria: EGL Classification Definitions 2015. Collection method: clinical testing. Allele origin: germline. Observed: 1 variant allele, 1 heterozygote.

Laboratory for Molecular Medicine, Mass General Brigham Personalized Medicine
Classification: Benign. Last evaluated: 2012-04-30. Review status: criteria provided, single submitter. Criteria: LMM Criteria. Collection method: clinical testing. Allele origin: germline. Observed: 5 variant alleles.
Comment: Val324Val in Exon 06 of TECTA: This variant is not expected to have clinical sig nificance because it does not alter an amino acid residue, is not located within the splice consensus sequence, and has been identified in 0.5% (20/3738) of Afr ican American chromosomes from a broad population by the NHLBI Exome Sequencing Project (dbSNP rs147790742).

NM_005422.4(TECTA):c.972G>C (p.Val324=)

Genes: TBCEL-TECTA (TBCEL-TECTA readthrough; plus strand), TECTA (tectorin alpha; plus strand). Cytogenetic location: 11q23.3.
Variant type: single nucleotide variant.
Coding change: c.972G>C on transcript NM_005422.4 (MANE Select); coding-DNA position 972, G replaced by C.
Protein change: p.Val324=; no amino-acid change (valine 324 retained).
Molecular consequence: synonymous variant.
Genome position (GRCh38, 1-based): chr11:121,118,487, G>C. VCF-style: chr11-121118487-G-C. GRCh37 (hg19) VCF-style: chr11-120989196-G-C.
Other names: c.1929G>C, p.Val643= (NM_001378761.1).
Identifiers: ClinVar variation 289305 (VCV000289305.25), dbSNP rs147790742, ClinGen allele CA6326647.